The following is an entry in ClinVar:

ClinVar aggregate classification (germline): Uncertain significance (1 of 4 stars; one submission).

Allele frequency attached by ClinVar (database versions not stated): ExAC 0.00002; gnomAD 0.00002; TOPMed 0.00003; ESP Exome Variant Server 0.00008.

Submission:

Labcorp Genetics (formerly Invitae), Labcorp
Classification: Uncertain significance. Last evaluated: 2023-10-22. Review status: criteria provided, single submitter. Criteria: Invitae Variant Classification Sherloc (09022015). Collection method: clinical testing. Allele origin: germline.
Comment: This sequence change replaces valine, which is neutral and non-polar, with isoleucine, which is neutral and non-polar, at codon 1142 of the CRB2 protein (p.Val1142Ile). This variant is present in population databases (rs368371354, gnomAD 0.005%). This variant has not been reported in the literature in individuals affected with CRB2-related conditions. Advanced modeling of protein sequence and biophysical properties (such as structural, functional, and spatial information, amino acid conservation, physicochemical variation, residue mobility, and thermodynamic stability) performed at Invitae indicates that this missense variant is not expected to disrupt CRB2 protein function with a negative predictive value of 80%. In summary, the available evidence is currently insufficient to determine the role of this variant in disease. Therefore, it has been classified as a Variant of Uncertain Significance.

NM_173689.7(CRB2):c.3424G>A (p.Val1142Ile)

Gene: CRB2 (crumbs cell polarity complex component 2; plus strand). Cytogenetic location: 9q33.3.
Variant type: single nucleotide variant.
Coding change: c.3424G>A on transcript NM_173689.7 (MANE Select); coding-DNA position 3424, G replaced by A.
Protein change: p.Val1142Ile; replaces valine 1142 with isoleucine.
Molecular consequence: missense variant. On other transcripts: non-coding transcript variant (1).
Genome position (GRCh38, 1-based): chr9:123,374,613, G>A. VCF-style: chr9-123374613-G-A. GRCh37 (hg19) VCF-style: chr9-126136892-G-A.
Other names: short protein forms V1142I.
Identifiers: ClinVar variation 2883421 (VCV002883421.3), dbSNP rs368371354, ClinGen allele CA5232478.